The following is an entry in ClinVar:

ClinVar aggregate classification (germline): Uncertain significance (1 of 4 stars; one submission).

Submission:

Labcorp Genetics (formerly Invitae), Labcorp
Classification: Uncertain significance. Last evaluated: 2023-08-02. Review status: criteria provided, single submitter. Criteria: Invitae Variant Classification Sherloc (09022015). Collection method: clinical testing. Allele origin: germline.
Comment: This sequence change replaces serine, which is neutral and polar, with asparagine, which is neutral and polar, at codon 485 of the ZMIZ1 protein (p.Ser485Asn). In summary, the available evidence is currently insufficient to determine the role of this variant in disease. Therefore, it has been classified as a Variant of Uncertain Significance. Advanced modeling of protein sequence and biophysical properties (such as structural, functional, and spatial information, amino acid conservation, physicochemical variation, residue mobility, and thermodynamic stability) performed at Invitae indicates that this missense variant is not expected to disrupt ZMIZ1 protein function. This variant is not present in population databases (gnomAD no frequency). This variant has not been reported in the literature in individuals affected with ZMIZ1-related conditions.

NM_020338.4(ZMIZ1):c.1454G>A (p.Ser485Asn)

Gene: ZMIZ1 (zinc finger MIZ-type containing 1; plus strand). Cytogenetic location: 10q22.3.
Variant type: single nucleotide variant.
Coding change: c.1454G>A on transcript NM_020338.4 (MANE Select); coding-DNA position 1454, G replaced by A.
Protein change: p.Ser485Asn; replaces serine 485 with asparagine.
Molecular consequence: missense variant.
Genome position (GRCh38, 1-based): chr10:79,297,653, G>A. VCF-style: chr10-79297653-G-A. GRCh37 (hg19) VCF-style: chr10-81057410-G-A.
Other names: short protein forms S485N.
Identifiers: ClinVar variation 2785546 (VCV002785546.3), dbSNP rs2492103266, ClinGen allele CA377336735.